The following is an entry in ClinVar:

NC_000022.10:g.(?_32439269)_(32506200_?)dup

Gene: SLC5A1 (solute carrier family 5 member 1; plus strand). Cytogenetic location: 22q12.3.
Variant type: Duplication.
Identifiers: ClinVar variation 2422937 (VCV002422937.4).

ClinVar aggregate classification (germline): Uncertain significance (1 of 4 stars; one submission).

Conditions:
Congenital glucose-galactose malabsorption (GGM). Also called: DIARRHEA 16; MONOSACCHARIDE MALABSORPTION. Identifiers: Orphanet 35710, MedGen C0268186, MONDO:0011731, OMIM 606824.

Submission:

Labcorp Genetics (formerly Invitae), Labcorp
Classification: Uncertain significance for Congenital glucose-galactose malabsorption. Last evaluated: 2022-10-24. Review status: criteria provided, single submitter. Criteria: Invitae Variant Classification Sherloc (09022015). Collection method: clinical testing. Allele origin: germline.
Comment: In summary, the available evidence is currently insufficient to determine the role of this variant in disease. Therefore, it has been classified as a Variant of Uncertain Significance. This variant has not been reported in the literature in individuals affected with SLC5A1-related conditions. A copy number gain of the genomic region encompassing the full coding sequence of the SLC5A1 gene has been identified. The boundaries of this event are unknown as they extend beyond the assayed region for this gene and therefore may encompass additional genes. As the precise location of this event is unknown, it may be in tandem or it may be located elsewhere in the genome.